The following is an entry in ClinVar:

ClinVar aggregate classification (germline): Uncertain significance. Review status: criteria provided, multiple submitters, no conflicts (2 of 4 stars). 2 submissions from 2 submitters: Uncertain significance (2). Last evaluated 2023-12-07.

Conditions:
Ataxia-telangiectasia syndrome (AT). Also called: Ataxia-telangiectasia; LOUIS-BAR SYNDROME; Ataxia-telangiectasia, complementation group D; AT, COMPLEMENTATION GROUP C; ATAXIA-TELANGIECTASIA, COMPLEMENTATION GROUP A; ATAXIA-TELANGIECTASIA, FRESNO VARIANT. Identifiers: Orphanet 100, MedGen C0004135, MONDO:0008840, OMIM 208900.
Hereditary cancer-predisposing syndrome. Also called: Tumor predisposition; Neoplastic Syndromes, Hereditary; Hereditary Cancer Syndrome; Hereditary neoplastic syndrome. Identifiers: Orphanet 140162, MedGen C0027672, MeSH D009386, MONDO:0015356.

Submissions (2):

Labcorp Genetics (formerly Invitae), Labcorp
Classification: Uncertain significance for Ataxia-telangiectasia syndrome. Last evaluated: 2023-12-07. Review status: criteria provided, single submitter. Criteria: Invitae Variant Classification Sherloc (09022015). Collection method: clinical testing. Allele origin: germline.
Comment: This sequence change replaces methionine, which is neutral and non-polar, with threonine, which is neutral and polar, at codon 2935 of the ATM protein (p.Met2935Thr). This variant is not present in population databases (gnomAD no frequency). This variant has not been reported in the literature in individuals affected with ATM-related conditions. ClinVar contains an entry for this variant (Variation ID: 1432346). An algorithm developed to predict the effect of missense changes on protein structure and function (PolyPhen-2) suggests that this variant is likely to be disruptive. In summary, the available evidence is currently insufficient to determine the role of this variant in disease. Therefore, it has been classified as a Variant of Uncertain Significance.

Ambry Genetics
Classification: Uncertain significance for Hereditary cancer-predisposing syndrome. Last evaluated: 2023-02-04. Review status: criteria provided, single submitter. Criteria: Ambry Variant Classification Scheme 2023. Collection method: clinical testing. Allele origin: germline.
Comment: The p.M2935T variant (also known as c.8804T>C), located in coding exon 60 of the ATM gene, results from a T to C substitution at nucleotide position 8804. The methionine at codon 2935 is replaced by threonine, an amino acid with similar properties. This amino acid position is conserved. In addition, this alteration is predicted to be deleterious by in silico analysis. Since supporting evidence is limited at this time, the clinical significance of this alteration remains unclear.

NM_000051.4(ATM):c.8804T>C (p.Met2935Thr)

Genes: ATM (ATM serine/threonine kinase; plus strand), C11orf65 (chromosome 11 open reading frame 65; minus strand). Cytogenetic location: 11q22.3.
Variant type: single nucleotide variant.
Coding change: c.8804T>C on transcript NM_000051.4 (MANE Select); coding-DNA position 8804, T replaced by C.
Protein change: p.Met2935Thr; replaces methionine 2935 with threonine.
Molecular consequence: missense variant. On other transcripts: intron variant (2).
Genome position (GRCh38, 1-based): chr11:108,354,828, T>C. VCF-style: chr11-108354828-T-C. GRCh37 (hg19) VCF-style: chr11-108225555-T-C.
Other names: c.8804T>C, p.Met2935Thr (NM_001351834.2); c.640+31092A>G (NM_001330368.2); c.695-19536A>G (NM_001351110.2); short protein forms M2935T.
Identifiers: ClinVar variation 1432346 (VCV001432346.10), dbSNP rs2137348119, ClinGen allele CA382525677.